The following is an entry in ClinVar:

NM_001374736.1(DST):c.4610C>A (p.Thr1537Asn)

Gene: DST (dystonin; minus strand). Cytogenetic location: 6p12.1.
Variant type: single nucleotide variant.
Coding change: c.4610C>A on transcript NM_001374736.1 (MANE Select); coding-DNA position 4610, C replaced by A.
Protein change: p.Thr1537Asn; replaces threonine 1537 with asparagine.
Molecular consequence: missense variant.
Genome position (GRCh38, 1-based): chr6:56,628,027, G>T on the plus strand (C>A on the coding strand, the complement: DST is on the minus strand). VCF-style: chr6-56628027-G-T. GRCh37 (hg19) VCF-style: chr6-56492825-G-T.
Other names: c.4511C>A, p.Thr1504Asn (NM_001144769.5); c.4097C>A, p.Thr1366Asn (NM_001144770.2); c.4610C>A, p.Thr1537Asn (NM_001374722.1); c.3977C>A, p.Thr1326Asn (NM_001374729.1, NM_001374730.1, NM_001386100.1 and 1 more transcripts); c.4637C>A, p.Thr1546Asn (NM_001374734.1); c.2999C>A, p.Thr1000Asn (NM_001723.7, NM_015548.5); short protein forms T1366N, T1504N, T1546N, T1326N, T1537N, T1000N.
Identifiers: ClinVar variation 1359652 (VCV001359652.5), dbSNP rs762218111, ClinGen allele CA3870860.
Genomic context (GRCh38, chr6:56,628,027, plus strand): 5'-TAACCTCAGTAGAGGGAATTATTTTTACATACCTTCTGTTGATTCAACTGTGTGGCTAGG[G>T]TTTTACTATTTTCAGGCTGATTTTCCTGAATCTTTCTCTGAGTAGTTTCAACCTGCTGGA-3'
Protein context (NP_001361665.1, residues 1527-1547): IQENQPENSK[Thr1537Asn]LATQLNQQKM

ClinVar aggregate classification (germline): Uncertain significance (1 of 4 stars; one submission).

Conditions:
Hereditary sensory and autonomic neuropathy type 6. Also called: Neuropathy, hereditary sensory and autonomic, type VI; HSAN VI. Identifiers: Orphanet 314381, MedGen C3539003, MONDO:0013839, OMIM 614653.
Epidermolysis bullosa simplex 3, localized or generalized intermediate, with BP230 deficiency (EBS3). Also called: Epidermolysis bullosa simplex due to BP230 deficiency; Epidermolysis bullosa simplex, autosomal recessive 2. Identifiers: Orphanet 412181, MedGen C3809470, MONDO:0014180, OMIM 615425.

Allele frequency attached by ClinVar (database versions not stated): gnomAD exomes below 0.00001 and 0.00001; ExAC 0.00001.
gnomAD v4.1: 4 of 1,613,846 alleles (0.00025%); highest among the groups gnomAD compares: Admixed American, 0.0017%; no homozygotes.

Submission:

Labcorp Genetics (formerly Invitae), Labcorp
Classification: Uncertain significance for Epidermolysis bullosa simplex 3, localized or generalized intermediate, with BP230 deficiency; Hereditary sensory and autonomic neuropathy type 6. Last evaluated: 2025-04-02. Review status: criteria provided, single submitter. Criteria: Invitae Variant Classification Sherloc (09022015). Collection method: clinical testing. Allele origin: germline.
Comment: This sequence change replaces threonine, which is neutral and polar, with asparagine, which is neutral and polar, at codon 1000 of the DST protein (p.Thr1000Asn). This variant is present in population databases (rs762218111, gnomAD 0.003%). This variant has not been reported in the literature in individuals affected with DST-related conditions. ClinVar contains an entry for this variant (Variation ID: 1359652). An algorithm developed to predict the effect of missense changes on protein structure and function (PolyPhen-2) suggests that this variant is likely to be tolerated. In summary, the available evidence is currently insufficient to determine the role of this variant in disease. Therefore, it has been classified as a Variant of Uncertain Significance.